The following is an entry in ClinVar:

NM_001006630.2(CHRM2):c.1248C>G (p.Cys416Trp)

Genes: CHRM2 (cholinergic receptor muscarinic 2; plus strand), LOC349160 (uncharacterized LOC349160; minus strand). Cytogenetic location: 7q33.
Variant type: single nucleotide variant.
Coding change: c.1248C>G on transcript NM_001006630.2 (MANE Select); coding-DNA position 1248, C replaced by G.
Protein change: p.Cys416Trp; replaces cysteine 416 with tryptophan.
Molecular consequence: missense variant.
Genome position (GRCh38, 1-based): chr7:137,016,113, C>G. VCF-style: chr7-137016113-C-G. GRCh37 (hg19) VCF-style: chr7-136700860-C-G.
Other names: c.1248C>G, p.Cys416Trp (NM_000739.3, NM_001006626.3, NM_001006627.3 and 6 more transcripts); short protein forms C416W.
Identifiers: ClinVar variation 1512211 (VCV001512211.6), dbSNP rs2131136215, ClinGen allele CA369488287.

ClinVar aggregate classification (germline): Uncertain significance (1 of 4 stars; one submission).

Submission:

Labcorp Genetics (formerly Invitae), Labcorp
Classification: Uncertain significance. Last evaluated: 2021-08-12. Review status: criteria provided, single submitter. Criteria: Invitae Variant Classification Sherloc (09022015). Collection method: clinical testing. Allele origin: germline.
Comment: This variant has not been reported in the literature in individuals affected with CHRM2-related conditions. In summary, the available evidence is currently insufficient to determine the role of this variant in disease. Therefore, it has been classified as a Variant of Uncertain Significance. Algorithms developed to predict the effect of missense changes on protein structure and function are either unavailable or do not agree on the potential impact of this missense change (SIFT: "Deleterious"; PolyPhen-2: "Probably Damaging"; Align-GVGD: "Class C15"). This variant is not present in population databases (ExAC no frequency). This sequence change replaces cysteine with tryptophan at codon 416 of the CHRM2 protein (p.Cys416Trp). The cysteine residue is highly conserved and there is a large physicochemical difference between cysteine and tryptophan.